The following is an entry in ClinVar:

NM_001148.6(ANK2):c.11695G>T (p.Val3899Phe)

Gene: ANK2 (ankyrin 2; plus strand). Cytogenetic location: 4q26.
Variant type: single nucleotide variant.
Coding change: c.11695G>T on transcript NM_001148.6 (MANE Select); coding-DNA position 11695, G replaced by T.
Protein change: p.Val3899Phe; replaces valine 3899 with phenylalanine.
Molecular consequence: missense variant. On other transcripts: intron variant (9).
Genome position (GRCh38, 1-based): chr4:113,373,285, G>T. VCF-style: chr4-113373285-G-T. GRCh37 (hg19) VCF-style: chr4-114294441-G-T.
Other names: c.5413G>T, p.Val1805Phe (NM_001127493.3); c.5452G>T, p.Val1818Phe (NM_001354225.2); c.5434G>T, p.Val1812Phe (NM_001354228.2); c.5419G>T, p.Val1807Phe (NM_001354230.2); c.5575G>T, p.Val1859Phe (NM_001354231.2); c.5569G>T, p.Val1857Phe (NM_001354232.2); c.5530G>T, p.Val1844Phe (NM_001354235.2); c.5338G>T, p.Val1780Phe (NM_001354236.2); and 50 more; short protein forms V1805F, V3899F, V1002F, V1714F, V1727F, V1743F, V1748F, V1759F.
Identifiers: ClinVar variation 238568 (VCV000238568.8), dbSNP rs878854256, ClinGen allele CA10582212.

ClinVar aggregate classification (germline): Uncertain significance. Review status: criteria provided, multiple submitters, no conflicts (2 of 4 stars). 2 submissions from 2 submitters: Uncertain significance (2). Last evaluated 2025-07-30.

Conditions:
Cardiovascular phenotype. Identifiers: MedGen CN230736.
Long QT syndrome (LQTS). Identifiers: MedGen C0023976, MeSH D008133, MONDO:0002442. Disease mechanism: loss of function. Inheritance: Various modes of inheritance.

Allele frequency attached by ClinVar (database versions not stated): gnomAD 0.00003.
gnomAD v4.1: 4 of 1,614,092 alleles (0.00025%); no homozygotes.

Submissions (2):

Labcorp Genetics (formerly Invitae), Labcorp
Classification: Uncertain significance for Long QT syndrome. Last evaluated: 2025-07-30. Review status: criteria provided, single submitter. Criteria: Invitae Variant Classification Sherloc (09022015). Collection method: clinical testing. Allele origin: germline.
Comment: This sequence change replaces valine, which is neutral and non-polar, with phenylalanine, which is neutral and non-polar, at codon 3899 of the ANK2 protein (p.Val3899Phe). This variant is not present in population databases (gnomAD no frequency). This variant has not been reported in the literature in individuals affected with ANK2-related conditions. ClinVar contains an entry for this variant (Variation ID: 238568). An algorithm developed to predict the effect of missense changes on protein structure and function (PolyPhen-2) suggests that this variant is likely to be disruptive. Algorithms developed to predict the effect of sequence changes on RNA splicing suggest that this variant may disrupt the consensus splice site. In summary, the available evidence is currently insufficient to determine the role of this variant in disease. Therefore, it has been classified as a Variant of Uncertain Significance.

Ambry Genetics
Classification: Uncertain significance for Cardiovascular phenotype. Last evaluated: 2023-08-25. Review status: criteria provided, single submitter. Criteria: Ambry Variant Classification Scheme 2023. Collection method: clinical testing. Allele origin: germline.
Comment: The p.V3899F variant (also known as c.11695G>T) is located in coding exon 45 of the ANK2 gene. The valine at codon 3899 is replaced by phenylalanine, an amino acid with highly similar properties. This change occurs in the first base pair of coding exon 45. This amino acid position is conserved. In addition, this alteration is predicted to be deleterious by in silico analysis. Since supporting evidence is limited at this time, the clinical significance of this alteration remains unclear.